The following is an entry in ClinVar:

NM_025137.4(SPG11):c.7158ACA[1] (p.Gln2387del)

Gene: SPG11 (SPG11 vesicle trafficking associated, spatacsin; minus strand). Cytogenetic location: 15q21.1.
Variant type: Microsatellite.
Coding change: c.7158ACA[1] on transcript NM_025137.4 (MANE Select); one copy of the 3-base unit ACA starting at c.7158; the reference has two copies in a row; one copy, 3 bases deleted; also written c.7161_7163del.
Protein change: p.Gln2387del; deletes glutamine 2387.
Molecular consequence: inframe deletion.
Genome position (GRCh38, 1-based): chr15:44,563,290-44,563,292, TGT deleted on the plus strand (ACA on the coding strand, the reverse complement: SPG11 is on the minus strand); deleting any 3 consecutive bases within chr15:44,563,290-44,563,296 gives the same sequence; the position shown is the placement nearest the transcript's 3' end. VCF-style (leftmost placement, unchanged base first): chr15-44563289-ATGT-A. GRCh37 (hg19) VCF-style: chr15-44855487-ATGT-A.
Other names: c.7161_7163del (NM_025137.3); c.6819ACA[1], p.Gln2274del (NM_001160227.2); short protein forms Q2387del, Q2274del.
Identifiers: ClinVar variation 567768 (VCV000567768.23), dbSNP rs376599651, ClinGen allele CA7533859.

ClinVar aggregate classification (germline): Conflicting classifications of pathogenicity. Review status: criteria provided, conflicting classifications (1 of 4 stars). 7 submissions from 7 submitters: Uncertain significance (5); Likely benign (2). Last evaluated 2026-08-18.

Conditions:
SPG11-related disorder. Also called: SPG11-related condition.
Inborn genetic diseases. Identifiers: MedGen C0950123, MeSH D030342.
Hereditary spastic paraplegia 11. Also called: Nakamura Osame syndrome; Autosomal recessive hereditary spastic paraplegia, mental impairment, and thin corpus callosum; Spastic paraplegia, mental retardation and thin corpus callosum; SPASTIC PARAPLEGIA, AUTOSOMAL RECESSIVE, COMPLICATED, WITH THIN CORPUS CALLOSUM; SPASTIC PARAPLEGIA, AUTOSOMAL RECESSIVE, WITH MENTAL IMPAIRMENT AND THIN CORPUS CALLOSUM; Spastic Paraplegia 11. Identifiers: Orphanet 2822, MedGen C1858479, MONDO:0011445, OMIM 604360.

Submissions (7):

GeneDx
Classification: Uncertain significance. Last evaluated: 2026-08-18. Review status: criteria provided, single submitter. Criteria: GeneDx Variant Classification Process June 2021. Collection method: clinical testing. Allele origin: germline.
Comment: Reported at a significant frequency in a cohort of South African and Nigerian patients with Parkinson's disease and the association of this phenotype with the SPG11 gene is not well established (PMID: 32019516); In-frame deletion of 1 amino acid(s) in a non-repeat region; In silico analysis supports a deleterious effect on protein structure/function; This variant is associated with the following publications: (PMID: 35495172, 32019516)

Labcorp Genetics (formerly Invitae), Labcorp
Classification: Likely benign for Hereditary spastic paraplegia 11. Last evaluated: 2025-12-27. Review status: criteria provided, single submitter. Criteria: Invitae Variant Classification Sherloc (09022015). Collection method: clinical testing. Allele origin: germline.

PreventionGenetics, part of Exact Sciences
Classification: Likely benign for SPG11-related condition. Last evaluated: 2025-05-02. Review status: criteria provided, single submitter. Criteria: ACMG Guidelines, 2015. Collection method: clinical testing. Allele origin: germline.
Comment: This variant is classified as likely benign based on ACMG/AMP sequence variant interpretation guidelines (Richards et al. 2015 PMID: 25741868, with internal and published modifications).

Blueprint Genetics
Classification: Uncertain significance. Last evaluated: 2024-09-25. Review status: criteria provided, single submitter. Criteria: ACMG Guidelines, 2015. Collection method: clinical testing. Allele origin: germline.

Mendelics
Classification: Uncertain significance. Last evaluated: 2022-05-04. Review status: criteria provided, single submitter. Criteria: Mendelics Assertion Criteria 2019. Collection method: clinical testing. Allele origin: germline.

Ambry Genetics
Classification: Uncertain significance for Inborn genetic diseases. Last evaluated: 2021-12-23. Review status: criteria provided, single submitter. Criteria: Ambry Variant Classification Scheme 2023. Collection method: clinical testing. Allele origin: germline.
Comment: The c.7161_7163delACA variant (also known as p.Q2387del) is located in coding exon 40 of the SPG11 gene. This variant results from an in-frame ACA deletion at nucleotide positions 7161 to 7163. This results in the in-frame deletion of a glutamine at codon 2387. This amino acid position is not well conserved in available vertebrate species. Since supporting evidence is limited at this time, the clinical significance of this alteration remains unclear.

Mayo Clinic Laboratories, Mayo Clinic
Classification: Uncertain significance. Last evaluated: 2020-03-11. Review status: criteria provided, single submitter. Criteria: ACMG Guidelines, 2015. Collection method: clinical testing. Allele origin: germline. Observed: 1 variant allele.